The following is an entry in ClinVar:

NM_014009.4(FOXP3):c.151C>T (p.Arg51Ter)

Gene: FOXP3 (forkhead box P3; minus strand). Cytogenetic location: Xp11.23.
Variant type: single nucleotide variant.
Coding change: c.151C>T on transcript NM_014009.4 (MANE Select); coding-DNA position 151, C replaced by T.
Protein change: p.Arg51Ter; replaces arginine 51 with a stop codon.
Molecular consequence: nonsense.
Genome position (GRCh38, 1-based): chrX:49,258,355, G>A on the plus strand (C>T on the coding strand, the complement: FOXP3 is on the minus strand). VCF-style: chrX-49258355-G-A. GRCh37 (hg19) VCF-style: chrX-49114812-G-A.
Other names: c.151C>T, p.Arg51Ter (NM_001114377.2); short protein forms R51*.
Identifiers: ClinVar variation 5018827 (VCV005018827.2).

ClinVar aggregate classification (germline): Pathogenic (1 of 4 stars; one submission).

Conditions:
Insulin-dependent diabetes mellitus secretory diarrhea syndrome (IPEX). Also called: Immune dysregulation-polyendocrinopathy-enteropathy-X-linked syndrome; Immunodeficiency, Polyendocrinopathy, and Enteropathy X-Linked Syndrome; X-Linked Syndrome of Polyendocrinopathy, Immune Dysfunction, and Diarrhea; Immunodysregulation, polyendocrinopathy, and enteropathy, X-linked; X-Linked Autoimmunity-Allergic Dysregulation Syndrome; IMMUNODEFICIENCY, POLYENDOCRINOPATHY, AND ENTEROPATHY, X-LINKED. Identifiers: Orphanet 37042, MedGen C0342288, MONDO:0010580, OMIM 304790. Disease mechanism: loss of function.

Submission:

Juno Genomics, Hangzhou Juno Genomics, Inc
Classification: Pathogenic for Insulin-dependent diabetes mellitus secretory diarrhea syndrome. Review status: criteria provided, single submitter. Criteria: ACMG Guidelines, 2015. Collection method: clinical testing. Allele origin: germline.
Comment: Absent from controls (or at extremely low frequency if recessive) in Genome Aggregation Database.;Null variant in a gene where loss of function (LOF) is a known mechanism of disease.;Co-segregation with disease in multiple affected family members.